The following is an entry in ClinVar:

ClinVar aggregate classification (germline): Uncertain significance (1 of 4 stars; one submission).

Conditions:
Glycogen storage disease type III (GSD3). Also called: Cori disease; FORBES DISEASE. Identifiers: Orphanet 366, MedGen C0017922, MONDO:0009291, OMIM 232400.

Allele frequency attached by ClinVar (database versions not stated): gnomAD exomes below 0.00001; ExAC 0.00001.
gnomAD v4.1: 2 of 1,614,086 alleles (0.00012%); highest among the groups gnomAD compares: Non-Finnish European, 0.00017%; no homozygotes.

Submission:

Labcorp Genetics (formerly Invitae), Labcorp
Classification: Uncertain significance for Glycogen storage disease type III. Last evaluated: 2019-12-29. Review status: criteria provided, single submitter. Criteria: Invitae Variant Classification Sherloc (09022015). Collection method: clinical testing. Allele origin: germline.
Comment: This sequence change replaces lysine with asparagine at codon 20 of the AGL protein (p.Lys20Asn). The lysine residue is weakly conserved and there is a moderate physicochemical difference between lysine and asparagine. This variant is present in population databases (rs769238334, ExAC 0.001%). This variant has not been reported in the literature in individuals with AGL-related conditions. Algorithms developed to predict the effect of missense changes on protein structure and function (SIFT, PolyPhen-2, Align-GVGD) all suggest that this variant is likely to be tolerated, but these predictions have not been confirmed by published functional studies and their clinical significance is uncertain. In summary, the available evidence is currently insufficient to determine the role of this variant in disease. Therefore, it has been classified as a Variant of Uncertain Significance.

NM_000642.3(AGL):c.60G>C (p.Lys20Asn)

Gene: AGL (amylo-alpha-1,6-glucosidase and 4-alpha-glucanotransferase; plus strand). Cytogenetic location: 1p21.2.
Variant type: single nucleotide variant.
Coding change: c.60G>C on transcript NM_000642.3 (MANE Select); coding-DNA position 60, G replaced by C.
Protein change: p.Lys20Asn; replaces lysine 20 with asparagine.
Molecular consequence: missense variant.
Genome position (GRCh38, 1-based): chr1:99,851,102, G>C. VCF-style: chr1-99851102-G-C. GRCh37 (hg19) VCF-style: chr1-100316658-G-C.
Other names: c.60G>C, p.Lys20Asn (NM_001425325.1, NM_001425326.1, NM_001425327.1 and 6 more transcripts); c.-132G>C (NM_000646.3); short protein forms K20N.
Identifiers: ClinVar variation 861734 (VCV000861734.10), dbSNP rs769238334, ClinGen allele CA966000.